The following is an entry in ClinVar:

ClinVar aggregate classification (germline): Uncertain significance (1 of 4 stars; one submission).

Conditions:
Dilated cardiomyopathy 1JJ (CMD1JJ). Identifiers: Orphanet 154, MedGen C3808935, MONDO:0014095, OMIM 615235.

Allele frequency attached by ClinVar (database versions not stated): gnomAD exomes below 0.00001.
gnomAD v4.1: 2 of 1,613,612 alleles (0.00012%); highest among the groups gnomAD compares: Non-Finnish European, 0.00017%; no homozygotes.

Submission:

Labcorp Genetics (formerly Invitae), Labcorp
Classification: Uncertain significance for Dilated cardiomyopathy 1JJ. Last evaluated: 2020-09-01. Review status: criteria provided, single submitter. Criteria: Invitae Variant Classification Sherloc (09022015). Collection method: clinical testing. Allele origin: germline.
Comment: In summary, the available evidence is currently insufficient to determine the role of this variant in disease. Therefore, it has been classified as a Variant of Uncertain Significance. Algorithms developed to predict the effect of missense changes on protein structure and function are either unavailable or do not agree on the potential impact of this missense change (SIFT: "Deleterious"; PolyPhen-2: "Probably Damaging"; Align-GVGD: "Class C0"). This variant has not been reported in the literature in individuals with LAMA4-related conditions. This variant is not present in population databases (ExAC no frequency). This sequence change replaces proline with serine at codon 164 of the LAMA4 protein (p.Pro164Ser). The proline residue is highly conserved and there is a moderate physicochemical difference between proline and serine.

NM_001105206.3(LAMA4):c.490C>T (p.Pro164Ser)

Gene: LAMA4 (laminin subunit alpha 4; minus strand). Cytogenetic location: 6q21.
Variant type: single nucleotide variant.
Coding change: c.490C>T on transcript NM_001105206.3 (MANE Select); coding-DNA position 490, C replaced by T.
Protein change: p.Pro164Ser; replaces proline 164 with serine.
Molecular consequence: missense variant.
Genome position (GRCh38, 1-based): chr6:112,201,621, G>A on the plus strand (C>T on the coding strand, the complement: LAMA4 is on the minus strand). VCF-style: chr6-112201621-G-A. GRCh37 (hg19) VCF-style: chr6-112522822-G-A.
Other names: c.490C>T, p.Pro164Ser (NM_001105207.3, NM_002290.5); short protein forms P164S.
Identifiers: ClinVar variation 1057930 (VCV001057930.9), dbSNP rs2115002692, ClinGen allele CA365379622.